The following is an entry in ClinVar:

NM_004750.5(CRLF1):c.*11C>A

Gene: CRLF1 (cytokine receptor like factor 1; minus strand). Cytogenetic location: 19p13.11.
Variant type: single nucleotide variant.
Coding change: c.*11C>A on transcript NM_004750.5 (MANE Select); 11 bases downstream of the stop codon, C replaced by A.
Molecular consequence: 3 prime UTR variant.
Genome position (GRCh38, 1-based): chr19:18,593,555, G>T on the plus strand (C>A on the coding strand, the complement: CRLF1 is on the minus strand). VCF-style: chr19-18593555-G-T. GRCh37 (hg19) VCF-style: chr19-18704365-G-T.
Identifiers: ClinVar variation 3907392 (VCV003907392.2).

ClinVar aggregate classification (germline): Benign/Likely benign. Review status: criteria provided, multiple submitters, no conflicts (2 of 4 stars). 2 submissions from 2 submitters: Benign (1); Likely benign (1). Last evaluated 2025-06-04.

gnomAD v4.1: 5,951 of 1,610,604 alleles (0.37%); highest among the groups gnomAD compares: Non-Finnish European, 0.47%; 18 homozygotes.

Submissions (2):

Women's Health and Genetics/Laboratory Corporation of America, LabCorp
Classification: Benign. Last evaluated: 2025-06-04. Review status: criteria provided, single submitter. Criteria: LabCorp Variant Classification Summary - May 2015. Collection method: clinical testing. Allele origin: germline.
Comment: Variant summary: CRLF1 c.*11C>A is located in the untranslated mRNA region downstream of the termination codon. The variant allele was found at a frequency of 0.0024 in 239348 control chromosomes in the gnomAD database, including 1 homozygotes. The observed variant frequency is approximately 2.14 fold of the estimated maximal expected allele frequency for a pathogenic variant in CRLF1 causing Cold-induced sweating syndrome 1 phenotype (0.0011). To our knowledge, no occurrence of c.*11C>A in individuals affected with Cold-induced sweating syndrome 1 and no experimental evidence demonstrating its impact on protein function have been reported. No submitters have cited clinical-significance assessments for this variant to ClinVar. Based on the evidence outlined above, the variant was classified as benign.

Blueprint Genetics
Classification: Likely benign. Last evaluated: 2024-11-25. Review status: criteria provided, single submitter. Criteria: ACMG Guidelines, 2015. Collection method: clinical testing. Allele origin: germline.